The following is an entry in ClinVar:

ClinVar aggregate classification (germline): Uncertain significance (1 of 4 stars; one submission).

Conditions:
Cardiovascular phenotype. Identifiers: MedGen CN230736.

Submission:

Ambry Genetics
Classification: Uncertain significance for Cardiovascular phenotype. Last evaluated: 2024-03-24. Review status: criteria provided, single submitter. Criteria: Ambry Variant Classification Scheme 2023. Collection method: clinical testing. Allele origin: germline.
Comment: The p.F65C variant (also known as c.194T>G), located in coding exon 1 of the TECRL gene, results from a T to G substitution at nucleotide position 194. The phenylalanine at codon 65 is replaced by cysteine, an amino acid with highly dissimilar properties. This amino acid position is conserved. In addition, this alteration is predicted to be tolerated by in silico analysis. Based on the available evidence, the clinical significance of this alteration remains unclear.

NM_001010874.5(TECRL):c.194T>G (p.Phe65Cys)

Gene: TECRL (trans-2,3-enoyl-CoA reductase like; minus strand). Cytogenetic location: 4q13.1.
Variant type: single nucleotide variant.
Coding change: c.194T>G on transcript NM_001010874.5 (MANE Select); coding-DNA position 194, T replaced by G.
Protein change: p.Phe65Cys; replaces phenylalanine 65 with cysteine.
Molecular consequence: missense variant.
Genome position (GRCh38, 1-based): chr4:64,409,158, A>C on the plus strand (T>G on the coding strand, the complement: TECRL is on the minus strand). VCF-style: chr4-64409158-A-C. GRCh37 (hg19) VCF-style: chr4-65274876-A-C.
Other names: c.194T>G, p.Phe65Cys (NM_001363796.1); short protein forms F65C.
Identifiers: ClinVar variation 3325214 (VCV003325214.1).